The following is an entry in ClinVar:

NM_001267550.2(TTN):c.2776-14T>C

Gene: TTN (titin; minus strand). Cytogenetic location: 2q31.2.
Variant type: single nucleotide variant.
Coding change: c.2776-14T>C on transcript NM_001267550.2 (MANE Select); 14 bases into the intron before coding-DNA position 2776, T replaced by C.
Molecular consequence: intron variant.
Genome position (GRCh38, 1-based): chr2:178,783,799, A>G on the plus strand (T>C on the coding strand, the complement: TTN is on the minus strand). VCF-style: chr2-178783799-A-G. GRCh37 (hg19) VCF-style: chr2-179648526-A-G.
Other names: c.2638-14T>C (NM_003319.4, NM_133437.4, NM_133432.3); c.2776-14T>C (NM_133379.5, NM_133378.4, NM_001256850.1).
Identifiers: ClinVar variation 46850 (VCV000046850.22), dbSNP rs201611946, ClinGen allele CA139359.

ClinVar aggregate classification (germline): Conflicting classifications of pathogenicity. Review status: criteria provided, conflicting classifications (1 of 4 stars). 11 submissions from 7 submitters: Uncertain significance (4); Benign (3); Likely benign (3). 1 of the submissions does not count toward it. Last evaluated 2026-01-27.

Conditions:
TTN-related disorder. Also called: TTN-related condition; TTN-related disease; TTN-related disorders.
Autosomal recessive limb-girdle muscular dystrophy type 2J (LGMDR10). Also called: Limb-girdle muscular dystrophy, type 2J; MUSCULAR DYSTROPHY, LIMB-GIRDLE, AUTOSOMAL RECESSIVE 10. Identifiers: Orphanet 140922, MedGen C1837342, MONDO:0012127, OMIM 608807.
Dilated cardiomyopathy 1G (CMD1G). Identifiers: Orphanet 154, MedGen C1858763, MONDO:0011400, OMIM 604145.
Early-onset myopathy with fatal cardiomyopathy (CMYO5). Also called: Salih Myopathy; CONGENITAL MYOPATHY 5 WITH CARDIOMYOPATHY. Identifiers: Orphanet 289377, MedGen C2673677, MONDO:0012714, OMIM 611705. Disease mechanism: loss of function.
Myopathy, myofibrillar, 9, with early respiratory failure (MFM9). Also called: Hereditary myopathy with early respiratory failure; EDSTROM MYOPATHY; MYOPATHY, PROXIMAL, WITH EARLY RESPIRATORY MUSCLE INVOLVEMENT; Myopathy, distal, with early respiratory failure, autosomal dominant. Identifiers: Orphanet 178464, Orphanet 34521, MedGen C1863599, MONDO:0011362, OMIM 603689.
Tibial muscular dystrophy (TMD). Also called: UDD MYOPATHY; Udd Distal Myopathy – Tibial Muscular Dystrophy; Tibial muscular dystrophy, tardive. Identifiers: Orphanet 609, MedGen C1838244, MONDO:0010870, OMIM 600334.

Allele frequency attached by ClinVar (database versions not stated): gnomAD 0.00008; TOPMed 0.00008; gnomAD exomes 0.00010 and 0.00022; ExAC 0.00018.
gnomAD v4.1: 167 of 1,609,644 alleles (0.01%); highest among the groups gnomAD compares: Non-Finnish European, 0.0029%; 1 homozygote.

Submissions (11):

Labcorp Genetics (formerly Invitae), Labcorp
Classification: Benign for Dilated cardiomyopathy 1G; Autosomal recessive limb-girdle muscular dystrophy type 2J. Last evaluated: 2026-01-27. Review status: criteria provided, single submitter. Criteria: Invitae Variant Classification Sherloc (09022015). Collection method: clinical testing. Allele origin: germline.

Women's Health and Genetics/Laboratory Corporation of America, LabCorp
Classification: Likely benign. Last evaluated: 2024-12-12. Review status: criteria provided, single submitter. Criteria: LabCorp Variant Classification Summary - May 2015. Collection method: clinical testing. Allele origin: germline.

Blueprint Genetics
Classification: Likely benign. Last evaluated: 2023-08-09. Review status: criteria provided, single submitter. Criteria: ACMG Guidelines, 2015. Collection method: clinical testing. Allele origin: germline.

Illumina Laboratory Services, Illumina
Classification: Benign for Myopathy, myofibrillar, 9, with early respiratory failure. Last evaluated: 2018-01-12. Review status: criteria provided, single submitter. Criteria: ICSL Variant Classification Criteria 13 December 2019. Collection method: clinical testing. Allele origin: germline.
Comment: This variant was observed in the ICSL laboratory as part of a predisposition screen in an ostensibly healthy population. It had not been previously curated by ICSL or reported in the Human Gene Mutation Database (HGMD: prior to June 1st, 2018), and was therefore a candidate for classification through an automated scoring system. Utilizing variant allele frequency, disease prevalence and penetrance estimates, and inheritance mode, an automated score was calculated to assess if this variant is too frequent to cause the disease. Based on the score and internal cut-off values, a variant classified as benign is not then subjected to further curation. The score for this variant resulted in a classification of benign for this disease.

Illumina Laboratory Services, Illumina
Classification: Uncertain significance for Dilated cardiomyopathy 1G. Last evaluated: 2018-01-12. Review status: criteria provided, single submitter. Criteria: ICSL Variant Classification Criteria 13 December 2019. Collection method: clinical testing. Allele origin: germline.

Illumina Laboratory Services, Illumina
Classification: Uncertain significance for Early-onset myopathy with fatal cardiomyopathy. Last evaluated: 2018-01-12. Review status: criteria provided, single submitter. Criteria: ICSL Variant Classification Criteria 13 December 2019. Collection method: clinical testing. Allele origin: germline.

Illumina Laboratory Services, Illumina
Classification: Benign for Tibial muscular dystrophy. Last evaluated: 2018-01-12. Review status: criteria provided, single submitter. Criteria: ICSL Variant Classification Criteria 13 December 2019. Collection method: clinical testing. Allele origin: germline.
Comment: the same text as in the submission from Illumina Laboratory Services, Illumina above.

Illumina Laboratory Services, Illumina
Classification: Uncertain significance for Autosomal recessive limb-girdle muscular dystrophy type 2J. Last evaluated: 2018-01-12. Review status: criteria provided, single submitter. Criteria: ICSL Variant Classification Criteria 13 December 2019. Collection method: clinical testing. Allele origin: germline.

GeneDx
Classification: Likely benign. Last evaluated: 2017-09-14. Review status: criteria provided, single submitter. Criteria: GeneDx Variant Classification (06012015). Collection method: clinical testing. Allele origin: germline. Affected: yes.
Comment: This variant is considered likely benign or benign based on one or more of the following criteria: it is a conservative change, it occurs at a poorly conserved position in the protein, it is predicted to be benign by multiple in silico algorithms, and/or has population frequency not consistent with disease.

Laboratory for Molecular Medicine, Mass General Brigham Personalized Medicine
Classification: Uncertain significance. Last evaluated: 2013-03-08. Review status: criteria provided, single submitter. Criteria: LMM Criteria. Collection method: clinical testing. Allele origin: germline. Observed: 1 variant allele.
Comment: The 2776-14T>C variant in TTN has not been reported in the literature nor previo usly identified by our laboratory. This variant has been identified in 1/1275 ch romosomes from a broad, though clinically and racially unspecified population (d bSNP rs201611946). This variant is located in the 3' splice region. Computationa l tools do not suggest an impact to splicing. However, this information is not p redictive enough to rule out pathogenicity. Additional studies are needed to ful ly assess its clinical significance.

PreventionGenetics, part of Exact Sciences
Classification: Likely benign for TTN-related condition. Last evaluated: 2022-10-28. Review status: no assertion criteria provided. Collection method: clinical testing. Allele origin: germline. Not counted in ClinVar's aggregate classification.
Comment: This variant is classified as likely benign based on ACMG/AMP sequence variant interpretation guidelines (Richards et al. 2015 PMID: 25741868, with internal and published modifications).